The following is an entry in ClinVar:

ClinVar aggregate classification (germline): Uncertain significance (1 of 4 stars; one submission).

Submission:

GeneDx
Classification: Uncertain significance. Last evaluated: 2023-03-01. Review status: criteria provided, single submitter. Criteria: GeneDx Variant Classification Process June 2021. Collection method: clinical testing. Allele origin: germline. Affected: yes.
Comment: Not observed at significant frequency in large population cohorts (gnomAD); In silico analysis supports that this missense variant has a deleterious effect on protein structure/function; Has not been previously published as pathogenic or benign to our knowledge

NM_207037.2(TCF12):c.675C>G (p.Phe225Leu)

Gene: TCF12 (transcription factor 12; plus strand). Cytogenetic location: 15q21.3.
Variant type: single nucleotide variant.
Coding change: c.675C>G on transcript NM_207037.2 (MANE Select); coding-DNA position 675, C replaced by G.
Protein change: p.Phe225Leu; replaces phenylalanine 225 with leucine.
Molecular consequence: missense variant.
Genome position (GRCh38, 1-based): chr15:57,231,247, C>G. VCF-style: chr15-57231247-C-G. GRCh37 (hg19) VCF-style: chr15-57523445-C-G.
Other names: c.165C>G, p.Phe55Leu (NM_001306219.3, NM_207040.2); c.107C>G, p.Ser36Cys (NM_001306220.3); c.675C>G, p.Phe225Leu (NM_001322151.2, NM_001322152.2, NM_001322157.3 and 7 more transcripts); c.18C>G, p.Phe6Leu (NM_001322154.2); c.501C>G, p.Phe167Leu (NM_001322156.2, NM_001322158.2); c.711C>G, p.Phe237Leu (NM_001322164.2); short protein forms F167L, F225L, F237L, F55L, F6L, S36C.
Identifiers: ClinVar variation 2578157 (VCV002578157.1), dbSNP rs2151918150, ClinGen allele CA392590676.
Genomic context (GRCh38, chr15:57,231,247, plus strand): 5'-CCGTGAATCTCCTAGTTATCCATCTCCTAAGCCACCAACCAGTATGTTCGCTAGCACTTT[C>G]TTTATGCAAGGTAAGTACTACCAAACAATTGCCAAATACTACTGCAGTCATCTGTATATC-3'
Protein context (NP_996920.1, residues 215-235): KPPTSMFAST[Phe225Leu]FMQDGTHNSS